The following is an entry in ClinVar:

NM_001371623.1(TCOF1):c.3391C>T (p.Pro1131Ser)

Gene: TCOF1 (treacle ribosome biogenesis factor 1; plus strand). Cytogenetic location: 5q32.
Variant type: single nucleotide variant.
Coding change: c.3391C>T on transcript NM_001371623.1 (MANE Select); coding-DNA position 3391, C replaced by T.
Protein change: p.Pro1131Ser; replaces proline 1131 with serine.
Molecular consequence: missense variant.
Genome position (GRCh38, 1-based): chr5:150,392,050, C>T. VCF-style: chr5-150392050-C-T. GRCh37 (hg19) VCF-style: chr5-149771613-C-T.
Other names: c.3160C>T, p.Pro1054Ser (NM_000356.4, NM_001135245.2); c.3391C>T, p.Pro1131Ser (NM_001135243.2); c.3277C>T, p.Pro1093Ser (NM_001135244.2, NM_001195141.2); c.3157C>T, p.Pro1053Ser (NM_001437406.1); short protein forms P1093S, P1053S, P1054S, P1131S.
Identifiers: ClinVar variation 5001703 (VCV005001703.1).

ClinVar aggregate classification (germline): Uncertain significance (1 of 4 stars; one submission).

Conditions:
TCOF1-related disorder. Also called: TCOF1-related condition.

Submission:

PreventionGenetics, part of Exact Sciences
Classification: Uncertain significance for TCOF1-related condition. Last evaluated: 2025-03-26. Review status: criteria provided, single submitter. Criteria: ACMG Guidelines, 2015. Collection method: clinical testing. Allele origin: germline.
Comment: The TCOF1 c.3391C>T variant is predicted to result in the amino acid substitution p.Pro1131Ser. To our knowledge, this variant has not been reported in the literature or in a large population database (gnomAD), indicating this variant is rare. At this time, the clinical significance of this variant is uncertain due to the absence of conclusive functional and genetic evidence.